The following is an entry in ClinVar:

ClinVar aggregate classification (germline): Uncertain significance (1 of 4 stars; one submission).

Conditions:
Epidermolysis bullosa simplex 3, localized or generalized intermediate, with BP230 deficiency (EBS3). Also called: Epidermolysis bullosa simplex due to BP230 deficiency; Epidermolysis bullosa simplex, autosomal recessive 2. Identifiers: Orphanet 412181, MedGen C3809470, MONDO:0014180, OMIM 615425.
Hereditary sensory and autonomic neuropathy type 6. Also called: HSAN VI; Neuropathy, hereditary sensory and autonomic, type VI. Identifiers: Orphanet 314381, MedGen C3539003, MONDO:0013839, OMIM 614653.

gnomAD v4.1: 8 of 1,613,886 alleles (0.0005%); highest among the groups gnomAD compares: South Asian, 0.0088%; no homozygotes.

Submission:

Labcorp Genetics (formerly Invitae), Labcorp
Classification: Uncertain significance for Epidermolysis bullosa simplex 3, localized or generalized intermediate, with BP230 deficiency; Hereditary sensory and autonomic neuropathy type 6. Last evaluated: 2020-11-25. Review status: criteria provided, single submitter. Criteria: Invitae Variant Classification Sherloc (09022015). Collection method: clinical testing. Allele origin: germline.
Comment: This sequence change replaces valine with isoleucine at codon 3378 of the DST protein (p.Val3378Ile). The DST gene has multiple clinically relevant transcripts. This variant occurs in alternate transcript NM_015548.4, and corresponds to NM_001723.5:c.*89028G>A in the primary transcript. This variant is present in population databases (rs750420940, ExAC 0.02%). This variant has not been reported in the literature in individuals with DST-related conditions. Experimental studies and prediction algorithms are not available or were not evaluated, and the functional significance of this variant is currently unknown. In summary, the available evidence is currently insufficient to determine the role of this variant in disease. Therefore, it has been classified as a Variant of Uncertain Significance.

NM_001374736.1(DST):c.18001G>A (p.Val6001Ile)

Gene: DST (dystonin; minus strand). Cytogenetic location: 6p12.1.
Variant type: single nucleotide variant.
Coding change: c.18001G>A on transcript NM_001374736.1 (MANE Select); coding-DNA position 18001, G replaced by A.
Protein change: p.Val6001Ile; replaces valine 6001 with isoleucine.
Molecular consequence: missense variant.
Genome position (GRCh38, 1-based): chr6:56,526,489, C>T on the plus strand (G>A on the coding strand, the complement: DST is on the minus strand). VCF-style: chr6-56526489-C-T. GRCh37 (hg19) VCF-style: chr6-56391287-C-T.
Other names: c.11644G>A, p.Val3882Ile (NM_001144769.5); c.11230G>A, p.Val3744Ile (NM_001144770.2); c.18001G>A, p.Val6001Ile (NM_001374722.1); c.17041G>A, p.Val5681Ile (NM_001374729.1); c.10783G>A, p.Val3595Ile (NM_001374730.1); c.18028G>A, p.Val6010Ile (NM_001374734.1); c.11110G>A, p.Val3704Ile (NM_001386100.1, NM_183380.4); c.10132G>A, p.Val3378Ile (NM_015548.5); short protein forms V3882I, V3704I, V3744I, V5681I, V6001I, V3378I, V3595I, V6010I.
Identifiers: ClinVar variation 1435790 (VCV001435790.6), dbSNP rs750420940, ClinGen allele CA3867322.